The following is an entry in ClinVar:

NM_006904.7(PRKDC):c.2296G>A (p.Ala766Thr)

Gene: PRKDC (protein kinase, DNA-activated, catalytic subunit; minus strand). Cytogenetic location: 8q11.21.
Variant type: single nucleotide variant.
Coding change: c.2296G>A on transcript NM_006904.7 (MANE Select); coding-DNA position 2296, G replaced by A.
Protein change: p.Ala766Thr; replaces alanine 766 with threonine.
Molecular consequence: missense variant.
Genome position (GRCh38, 1-based): chr8:47,927,317, C>T on the plus strand (G>A on the coding strand, the complement: PRKDC is on the minus strand). VCF-style: chr8-47927317-C-T. GRCh37 (hg19) VCF-style: chr8-48839877-C-T.
Other names: c.2296G>A, p.Ala766Thr (NM_001081640.2); short protein forms A766T.
Identifiers: ClinVar variation 1789174 (VCV001789174.2), dbSNP rs1176665755, ClinGen allele CA371162068.
Genomic context (GRCh38, chr8:47,927,317, plus strand): 5'-GCATTACATGTCTGTCAATATAAATTGACCATTCTTCTAGAGCATTCAGGCCTACTTCTG[C>T]CAAGGGGGTATAGCTCAGGCCCAGTTTGAAAGCCATCTGTATGTTAATACAAACAAGTTA-3'
Protein context (NP_008835.5, residues 756-776): FKLGLSYTPL[Ala766Thr]EVGLNALEEW

ClinVar aggregate classification (germline): Uncertain significance (1 of 4 stars; one submission).

Allele frequency attached by ClinVar (database versions not stated): TOPMed 0.00001.

Submission:

Ambry Genetics
Classification: Uncertain significance. Last evaluated: 2022-02-16. Review status: criteria provided, single submitter. Criteria: Ambry Variant Classification Scheme 2023. Collection method: clinical testing. Allele origin: germline.
Comment: The p.A766T variant (also known as c.2296G>A), located in coding exon 21 of the PRKDC gene, results from a G to A substitution at nucleotide position 2296. The alanine at codon 766 is replaced by threonine, an amino acid with similar properties. This amino acid position is conserved. In addition, the in silico prediction for this alteration is inconclusive. Since supporting evidence is limited at this time, the clinical significance of this alteration remains unclear.